The following is an entry in ClinVar:

NM_001267550.2(TTN):c.21004del (p.Ile7002fs)

Genes: TTN (titin; minus strand), LOC126806428 (BRD4-independent group 4 enhancer GRCh37_chr2:179588362-179589561; plus strand). Cytogenetic location: 2q31.2.
Variant type: Deletion.
Coding change: c.21004del on transcript NM_001267550.2 (MANE Select); coding-DNA position 21004, one base deleted (A; older notation c.21004delA).
Protein change: p.Ile7002fs; shifts the reading frame from isoleucine 7002.
Molecular consequence: frameshift variant. On other transcripts: intron variant (3).
Genome position (GRCh38, 1-based): chr2:178,724,371, T deleted on the plus strand (A on the coding strand, the reverse complement: TTN is on the minus strand); the first of 4 consecutive T bases (chr2:178,724,371-178,724,374); deleting any one gives the same sequence. VCF-style (leftmost placement, unchanged base first): chr2-178724370-AT-A. GRCh37 (hg19) VCF-style: chr2-179589097-AT-A.
Other names: c.20053del, p.Ile6685fs (NM_001256850.1); c.17272del, p.Ile5758fs (NM_133378.4); c.13282+13711del (NM_003319.4); c.13858+13711del (NM_133437.4); c.13657+13711del (NM_133432.3); short protein forms I5758fs, I6685fs, I7002fs.
Identifiers: ClinVar variation 3752742 (VCV003752742.2).

ClinVar aggregate classification (germline): Likely pathogenic (1 of 4 stars; one submission).

Conditions:
Autosomal recessive limb-girdle muscular dystrophy type 2J (LGMDR10). Also called: Limb-girdle muscular dystrophy, type 2J; MUSCULAR DYSTROPHY, LIMB-GIRDLE, AUTOSOMAL RECESSIVE 10. Identifiers: Orphanet 140922, MedGen C1837342, MONDO:0012127, OMIM 608807.
Dilated cardiomyopathy 1G (CMD1G). Identifiers: Orphanet 154, MedGen C1858763, MONDO:0011400, OMIM 604145.

Submission:

Labcorp Genetics (formerly Invitae), Labcorp
Classification: Likely pathogenic for Dilated cardiomyopathy 1G; Autosomal recessive limb-girdle muscular dystrophy type 2J. Last evaluated: 2024-10-18. Review status: criteria provided, single submitter. Criteria: Invitae Variant Classification Sherloc (09022015). Collection method: clinical testing. Allele origin: germline.
Comment: This sequence change creates a premature translational stop signal (p.Ile7002Serfs*4) in the TTN gene. While this is not anticipated to result in nonsense mediated decay, it is expected to create a truncated TTN protein. This variant is not present in population databases (gnomAD no frequency). This variant has not been reported in the literature in individuals affected with TTN-related conditions. This variant is located in the I band of TTN (PMID: 25589632). Truncating variants in this region have been reported in individuals affected with autosomal recessive centronuclear myopathy (PMID: 23975875, internal data). Truncating variants in this region have also been identified in individuals affected with autosomal dominant dilated cardiomyopathy and/or cardio-related conditions (PMID: 27869827, 32964742, internal data). In summary, the currently available evidence indicates that the variant is pathogenic, but additional data are needed to prove that conclusively. Therefore, this variant has been classified as Likely Pathogenic.

Literature cited by the submitters: PubMed 25589632; PubMed 23975875; PubMed 27869827; PubMed 32964742.